The following is an entry in ClinVar:

NM_033380.3(COL4A5):c.4516G>A (p.Gly1506Ser)

Gene: COL4A5 (collagen type IV alpha 5 chain; plus strand). Cytogenetic location: Xq22.3.
Variant type: single nucleotide variant.
Coding change: c.4516G>A on transcript NM_033380.3 (MANE Select); coding-DNA position 4516, G replaced by A.
Protein change: p.Gly1506Ser; replaces glycine 1506 with serine.
Molecular consequence: missense variant.
Genome position (GRCh38, 1-based): chrX:108,687,682, G>A. VCF-style: chrX-108687682-G-A. GRCh37 (hg19) VCF-style: chrX-107930912-G-A.
Other names: c.4498G>A (NM_000495.3, NM_000495.4); c.4498G>A, p.Gly1500Ser (NM_000495.5); short protein forms G1500S, G1506S.
Identifiers: ClinVar variation 1151111 (VCV001151111.11), dbSNP rs750993623, ClinGen allele CA10489363.

ClinVar aggregate classification (germline): Conflicting classifications of pathogenicity. Review status: criteria provided, conflicting classifications (1 of 4 stars). 3 submissions from 3 submitters: Uncertain significance (2); Likely benign (1). Last evaluated 2026-09-10.

Conditions:
COL4A5-related disorder. Also called: COL4A5-related condition.
Inborn genetic diseases. Identifiers: MedGen C0950123, MeSH D030342.

gnomAD v4.1: 18 of 1,204,917 alleles (0.0015%); highest among the groups gnomAD compares: African/African-American, 0.0035%; no homozygotes.

Submissions (3):

PreventionGenetics, part of Exact Sciences
Classification: Uncertain significance for COL4A5-related condition. Last evaluated: 2026-09-10. Review status: criteria provided, single submitter. Criteria: ACMG Guidelines, 2015. Collection method: clinical testing. Allele origin: germline.
Comment: The COL4A5 c.4498G>A variant is predicted to result in the amino acid substitution p.Gly1500Ser. To our knowledge, this variant has not been reported in the literature. This variant is reported in 0.0052% of alleles in individuals of South Asian descent in gnomAD. The p.Gly1500Ser residue is not located in the triple-helical region (residues 42 – 1456) of the COL4A5 protein. At this time, the clinical significance of this variant is uncertain due to the absence of conclusive functional and genetic evidence.

Ambry Genetics
Classification: Uncertain significance for Inborn genetic diseases. Last evaluated: 2026-03-31. Review status: criteria provided, single submitter. Criteria: Ambry Variant Classification Scheme 2023. Collection method: clinical testing. Allele origin: germline.

Labcorp Genetics (formerly Invitae), Labcorp
Classification: Likely benign. Last evaluated: 2023-09-15. Review status: criteria provided, single submitter. Criteria: Invitae Variant Classification Sherloc (09022015). Collection method: clinical testing. Allele origin: germline.